The following is an entry in ClinVar:

NM_001267550.2(TTN):c.70341C>T (p.Ile23447=)

Genes: TTN (titin; minus strand), TTN-AS1 (TTN antisense RNA 1; plus strand), LOC126806422 (BRD4-independent group 4 enhancer GRCh37_chr2:179440205-179441404; plus strand). Cytogenetic location: 2q31.2.
Variant type: single nucleotide variant.
Coding change: c.70341C>T on transcript NM_001267550.2 (MANE Select); coding-DNA position 70341, C replaced by T.
Protein change: p.Ile23447=; no amino-acid change (isoleucine 23447 retained).
Molecular consequence: synonymous variant.
Genome position (GRCh38, 1-based): chr2:178,575,791, G>A on the plus strand (C>T on the coding strand, the complement: TTN is on the minus strand). VCF-style: chr2-178575791-G-A. GRCh37 (hg19) VCF-style: chr2-179440518-G-A.
Other names: c.65418C>T, p.Ile21806= (NM_001256850.1); c.43146C>T, p.Ile14382= (NM_003319.4); c.62637C>T, p.Ile20879= (NM_133378.4); c.43521C>T, p.Ile14507= (NM_133432.3); c.43722C>T, p.Ile14574= (NM_133437.4).
Identifiers: ClinVar variation 1896145 (VCV001896145.6), dbSNP rs1213801020, ClinGen allele CA430258172.

ClinVar aggregate classification (germline): Likely benign. Review status: criteria provided, multiple submitters, no conflicts (2 of 4 stars). 2 submissions from 2 submitters: Likely benign (2). Last evaluated 2026-01-19.

Conditions:
TTN-related disorder. Also called: TTN-related disorders; TTN-related condition; TTN-related disease.
Autosomal recessive limb-girdle muscular dystrophy type 2J (LGMDR10). Also called: MUSCULAR DYSTROPHY, LIMB-GIRDLE, AUTOSOMAL RECESSIVE 10; Limb-girdle muscular dystrophy, type 2J. Identifiers: Orphanet 140922, MedGen C1837342, MONDO:0012127, OMIM 608807.
Dilated cardiomyopathy 1G (CMD1G). Identifiers: Orphanet 154, MedGen C1858763, MONDO:0011400, OMIM 604145.

Allele frequency attached by ClinVar (database versions not stated): gnomAD 0.00001.
gnomAD v4.1: 1 of 1,612,948 alleles (0.000062%); highest among the groups gnomAD compares: Admixed American, 0.0017%; no homozygotes.

Submissions (2):

Labcorp Genetics (formerly Invitae), Labcorp
Classification: Likely benign for Dilated cardiomyopathy 1G; Autosomal recessive limb-girdle muscular dystrophy type 2J. Last evaluated: 2026-01-19. Review status: criteria provided, single submitter. Criteria: Invitae Variant Classification Sherloc (09022015). Collection method: clinical testing. Allele origin: germline.

PreventionGenetics, part of Exact Sciences
Classification: Likely benign for TTN-related condition. Last evaluated: 2025-10-08. Review status: criteria provided, single submitter. Criteria: ACMG Guidelines, 2015. Collection method: clinical testing. Allele origin: germline.
Comment: This variant is classified as likely benign based on ACMG/AMP sequence variant interpretation guidelines (Richards et al. 2015 PMID: 25741868, with internal and published modifications).